The following is an entry in ClinVar:

NM_001942.4(DSG1):c.2224G>A (p.Asp742Asn)

Genes: DSG1 (desmoglein 1; plus strand), DSG1-AS1 (DSG1 antisense RNA 1; minus strand), LOC126862720 (MED14-independent group 3 enhancer GRCh37_chr18:28933613-28934812; plus strand). Cytogenetic location: 18q12.1.
Variant type: single nucleotide variant.
Coding change: c.2224G>A on transcript NM_001942.4 (MANE Select); coding-DNA position 2224, G replaced by A.
Protein change: p.Asp742Asn; replaces aspartic acid 742 with asparagine.
Molecular consequence: missense variant. On other transcripts: non-coding transcript variant (1).
Genome position (GRCh38, 1-based): chr18:31,354,420, G>A. VCF-style: chr18-31354420-G-A. GRCh37 (hg19) VCF-style: chr18-28934383-G-A.
Other names: short protein forms D742N.
Identifiers: ClinVar variation 2857482 (VCV002857482.3), dbSNP rs1273899884, ClinGen allele CA402121455.

ClinVar aggregate classification (germline): Uncertain significance (1 of 4 stars; one submission).

Allele frequency attached by ClinVar (database versions not stated): gnomAD exomes below 0.00001; gnomAD 0.00001; TOPMed 0.00001.
gnomAD v4.1: 3 of 1,614,038 alleles (0.00019%); highest among the groups gnomAD compares: African/African-American, 0.004%; no homozygotes.

Submission:

Labcorp Genetics (formerly Invitae), Labcorp
Classification: Uncertain significance. Last evaluated: 2023-05-09. Review status: criteria provided, single submitter. Criteria: Invitae Variant Classification Sherloc (09022015). Collection method: clinical testing. Allele origin: germline.
Comment: This sequence change replaces aspartic acid, which is acidic and polar, with asparagine, which is neutral and polar, at codon 742 of the DSG1 protein (p.Asp742Asn). This variant is not present in population databases (gnomAD no frequency). This variant has not been reported in the literature in individuals affected with DSG1-related conditions. Advanced modeling of protein sequence and biophysical properties (such as structural, functional, and spatial information, amino acid conservation, physicochemical variation, residue mobility, and thermodynamic stability) performed at Invitae indicates that this missense variant is not expected to disrupt DSG1 protein function. In summary, the available evidence is currently insufficient to determine the role of this variant in disease. Therefore, it has been classified as a Variant of Uncertain Significance.